The following is an entry in ClinVar:

NM_000334.4(SCN4A):c.644T>G (p.Ile215Ser)

Gene: SCN4A (sodium voltage-gated channel alpha subunit 4; minus strand). Cytogenetic location: 17q23.3.
Variant type: single nucleotide variant.
Coding change: c.644T>G on transcript NM_000334.4 (MANE Select); coding-DNA position 644, T replaced by G.
Protein change: p.Ile215Ser; replaces isoleucine 215 with serine.
Molecular consequence: missense variant.
Genome position (GRCh38, 1-based): chr17:63,971,221, A>C on the plus strand (T>G on the coding strand, the complement: SCN4A is on the minus strand). VCF-style: chr17-63971221-A-C. GRCh37 (hg19) VCF-style: chr17-62048581-A-C.
Other names: short protein forms I215S.
Identifiers: ClinVar variation 4086512 (VCV004086512.1).

ClinVar aggregate classification (germline): Uncertain significance (1 of 4 stars; one submission).

Submission:

GeneDx
Classification: Uncertain significance. Last evaluated: 2025-03-19. Review status: criteria provided, single submitter. Criteria: GeneDx Variant Classification Process June 2021. Collection method: clinical testing. Allele origin: germline. Affected: yes.
Comment: Not observed at significant frequency in large population cohorts (gnomAD); In silico analysis supports that this missense variant has a deleterious effect on protein structure/function; Has not been previously published as pathogenic or benign to our knowledge; This variant is associated with the following publications: (PMID: 32849172, 32411069)